The following is an entry in ClinVar:

NM_001009944.3(PKD1):c.9295G>T (p.Asp3099Tyr)

Gene: PKD1 (polycystin 1, transient receptor potential channel interacting; minus strand). Cytogenetic location: 16p13.3.
Variant type: single nucleotide variant.
Coding change: c.9295G>T on transcript NM_001009944.3 (MANE Select); coding-DNA position 9295, G replaced by T.
Protein change: p.Asp3099Tyr; replaces aspartic acid 3099 with tyrosine.
Molecular consequence: missense variant.
Genome position (GRCh38, 1-based): chr16:2,102,163, C>A on the plus strand (G>T on the coding strand, the complement: PKD1 is on the minus strand). VCF-style: chr16-2102163-C-A. GRCh37 (hg19) VCF-style: chr16-2152164-C-A.
Other names: c.9295G>T, p.Asp3099Tyr (NM_000296.4); short protein forms D3099Y.
Identifiers: ClinVar variation 5001500 (VCV005001500.1).

ClinVar aggregate classification (germline): Uncertain significance (1 of 4 stars; one submission).

Conditions:
PKD1-related disorder. Also called: PKD1-related condition.

Submission:

PreventionGenetics, part of Exact Sciences
Classification: Uncertain significance for PKD1-related condition. Last evaluated: 2025-04-29. Review status: criteria provided, single submitter. Criteria: ACMG Guidelines, 2015. Collection method: clinical testing. Allele origin: germline.
Comment: The PKD1 c.9295G>T variant is predicted to result in the amino acid substitution p.Asp3099Tyr. To our knowledge, this variant has not been reported in the literature or in a large population database (gnomAD), indicating this variant is rare. At this time, the clinical significance of this variant is uncertain due to the absence of conclusive functional and genetic evidence.